The following is an entry in ClinVar:

NM_001376.5(DYNC1H1):c.7071G>A (p.Ser2357=)

Gene: DYNC1H1 (dynein cytoplasmic 1 heavy chain 1; plus strand). Cytogenetic location: 14q32.31.
Variant type: single nucleotide variant.
Coding change: c.7071G>A on transcript NM_001376.5 (MANE Select); coding-DNA position 7071, G replaced by A.
Protein change: p.Ser2357=; no amino-acid change (serine 2357 retained).
Molecular consequence: synonymous variant.
Genome position (GRCh38, 1-based): chr14:102,015,161, G>A. VCF-style: chr14-102015161-G-A. GRCh37 (hg19) VCF-style: chr14-102481498-G-A.
Identifiers: ClinVar variation 671965 (VCV000671965.30), dbSNP rs375808105, ClinGen allele CA7352737.

ClinVar aggregate classification (germline): Benign/Likely benign. Review status: criteria provided, multiple submitters, no conflicts (2 of 4 stars). 6 submissions from 6 submitters: Benign (1); Likely benign (4). 1 of the submissions does not count toward it. Last evaluated 2025-10-01.

Conditions:
DYNC1H1-related disorder. Also called: DYNC1H1-related condition; DYNC1H1-related disorders. Identifiers: MedGen CN381529.
Charcot-Marie-Tooth disease axonal type 2O. Also called: Charcot-Marie-Tooth disease, axonal, type 20; CHARCOT-MARIE-TOOTH NEUROPATHY, AXONAL, TYPE 2O; CHARCOT-MARIE-TOOTH DISEASE, AXONAL, AUTOSOMAL DOMINANT, TYPE 2O; Charcot-Marie-Tooth Neuropathy Type 2O. Identifiers: Orphanet 284232, MedGen C3280220, MONDO:0013644, OMIM 614228.

Allele frequency attached by ClinVar (database versions not stated): ExAC 0.00007; ESP Exome Variant Server 0.00008; gnomAD exomes 0.00009 and 0.00015; gnomAD 0.00012; TOPMed 0.00012.
gnomAD v4.1: 239 of 1,614,194 alleles (0.015%); highest among the groups gnomAD compares: Non-Finnish European, 0.018%; no homozygotes.

Submissions (6):

Labcorp Genetics (formerly Invitae), Labcorp
Classification: Likely benign for Charcot-Marie-Tooth disease axonal type 2O. Last evaluated: 2025-10-01. Review status: criteria provided, single submitter. Criteria: Invitae Variant Classification Sherloc (09022015). Collection method: clinical testing. Allele origin: germline.

Women's Health and Genetics/Laboratory Corporation of America, LabCorp
Classification: Benign. Last evaluated: 2025-09-25. Review status: criteria provided, single submitter. Criteria: LabCorp Variant Classification Summary - May 2015. Collection method: clinical testing. Allele origin: germline.

CeGaT Center for Human Genetics Tuebingen
Classification: Likely benign. Last evaluated: 2025-07-01. Review status: criteria provided, single submitter. Criteria: CeGaT Center For Human Genetics Tuebingen Variant Classification Criteria Version 2. Collection method: clinical testing. Allele origin: germline. Affected: yes. Observed: 2 variant alleles.
Comment: DYNC1H1: BP4, BP7

Blueprint Genetics
Classification: Likely benign. Last evaluated: 2022-09-28. Review status: criteria provided, single submitter. Criteria: ACMG Guidelines, 2015. Collection method: clinical testing. Allele origin: germline.

GeneDx
Classification: Likely benign. Last evaluated: 2020-04-21. Review status: criteria provided, single submitter. Criteria: GeneDx Variant Classification Process June 2021. Collection method: clinical testing. Allele origin: germline. Affected: yes.

PreventionGenetics, part of Exact Sciences
Classification: Likely benign for DYNC1H1-related condition. Last evaluated: 2022-09-16. Review status: no assertion criteria provided. Collection method: clinical testing. Allele origin: germline. Not counted in ClinVar's aggregate classification.
Comment: This variant is classified as likely benign based on ACMG/AMP sequence variant interpretation guidelines (Richards et al. 2015 PMID: 25741868, with internal and published modifications).